The following is an entry in ClinVar:

NM_001369.3(DNAH5):c.7231-6del

Gene: DNAH5 (dynein axonemal heavy chain 5; minus strand). Cytogenetic location: 5p15.2.
Variant type: Deletion.
Coding change: c.7231-6del on transcript NM_001369.3 (MANE Select); 6 bases into the intron before coding-DNA position 7231, one base deleted (T; older notation c.7231-6delT).
Molecular consequence: intron variant.
Genome position (GRCh38, 1-based): chr5:13,811,829, A deleted on the plus strand (T on the coding strand, the reverse complement: DNAH5 is on the minus strand). VCF-style (leftmost placement, unchanged base first): chr5-13811828-CA-C. GRCh37 (hg19) VCF-style: chr5-13811937-CA-C.
Identifiers: ClinVar variation 1911294 (VCV001911294.2), dbSNP rs1465272963, ClinGen allele CA443248278.
Genomic context (GRCh38, chr5:13,811,828, plus strand): 5'-GTGTACAGCTGACGAAGAATTTCTGCTTCTTGAGGTGAGCGTTTCTTAAGAAAACCCTGT[CA>C]GTTCACAGACAAGTGTATTCATGAAACTTATTAGCACACTAGGAAAATGGTCATTTGGGG-3'

ClinVar aggregate classification (germline): Uncertain significance (1 of 4 stars; one submission).

Conditions:
Primary ciliary dyskinesia. Also called: Ciliary dyskinesia. Identifiers: Orphanet 244, MedGen C0008780, MONDO:0016575, HP:0012265.

Allele frequency attached by ClinVar (database versions not stated): TOPMed 0.00009; ESP Exome Variant Server 0.00024.

Submission:

Labcorp Genetics (formerly Invitae), Labcorp
Classification: Uncertain significance for Primary ciliary dyskinesia. Last evaluated: 2022-06-23. Review status: criteria provided, single submitter. Criteria: Invitae Variant Classification Sherloc (09022015). Collection method: clinical testing. Allele origin: germline.
Comment: This sequence change falls in intron 43 of the DNAH5 gene. It does not directly change the encoded amino acid sequence of the DNAH5 protein. This variant is not present in population databases (gnomAD no frequency). This variant has not been reported in the literature in individuals affected with DNAH5-related conditions. Algorithms developed to predict the effect of sequence changes on RNA splicing suggest that this variant may create or strengthen a splice site. In summary, the available evidence is currently insufficient to determine the role of this variant in disease. Therefore, it has been classified as a Variant of Uncertain Significance.